The following is an entry in ClinVar:

ClinVar aggregate classification (germline): Uncertain significance (1 of 4 stars; one submission).

Conditions:
CHARGE syndrome (CHARGE). Also called: Hittner Hirsch Kreh syndrome; CHARGE ASSOCIATION--COLOBOMA, HEART ANOMALY, CHOANAL ATRESIA, RETARDATION, GENITAL AND EAR ANOMALIES; Coloboma, heart anomaly, choanal atresia, retardation, genital and ear anomalies; CHARGE association; Hall-Hittner syndrome. Identifiers: Orphanet 138, MedGen C0265354, MONDO:0008965.

Submission:

Labcorp Genetics (formerly Invitae), Labcorp
Classification: Uncertain significance for CHARGE syndrome. Last evaluated: 2021-04-20. Review status: criteria provided, single submitter. Criteria: Invitae Variant Classification Sherloc (09022015). Collection method: clinical testing. Allele origin: germline.
Comment: In summary, the available evidence is currently insufficient to determine the role of this variant in disease. Therefore, it has been classified as a Variant of Uncertain Significance. Algorithms developed to predict the effect of sequence changes on RNA splicing suggest that this variant may disrupt the consensus splice site, but this prediction has not been confirmed by published transcriptional studies. Algorithms developed to predict the effect of missense changes on protein structure and function are either unavailable or do not agree on the potential impact of this missense change (SIFT: "Tolerated"; PolyPhen-2: "Probably Damaging"; Align-GVGD: "Class C0"). This variant has not been reported in the literature in individuals with CHD7-related conditions. This variant is not present in population databases (ExAC no frequency). This sequence change replaces lysine with arginine at codon 2312 of the CHD7 protein (p.Lys2312Arg). The lysine residue is highly conserved and there is a small physicochemical difference between lysine and arginine.

NM_017780.4(CHD7):c.6935A>G (p.Lys2312Arg)

Gene: CHD7 (chromodomain helicase DNA binding protein 7; plus strand). Cytogenetic location: 8q12.2.
Variant type: single nucleotide variant.
Coding change: c.6935A>G on transcript NM_017780.4 (MANE Select); coding-DNA position 6935, A replaced by G.
Protein change: p.Lys2312Arg; replaces lysine 2312 with arginine.
Molecular consequence: missense variant. On other transcripts: intron variant (1).
Genome position (GRCh38, 1-based): chr8:60,854,522, A>G. VCF-style: chr8-60854522-A-G. GRCh37 (hg19) VCF-style: chr8-61767081-A-G.
Other names: c.1717-7707A>G (NM_001316690.1); short protein forms K2312R.
Identifiers: ClinVar variation 1346953 (VCV001346953.8), dbSNP rs2150813712, ClinGen allele CA371295442.